The following is an entry in ClinVar:

ClinVar aggregate classification (germline): Conflicting classifications of pathogenicity. Review status: criteria provided, conflicting classifications (1 of 4 stars). 4 submissions from 4 submitters: Likely pathogenic (1); Uncertain significance (3). Last evaluated 2025-04-13.

Conditions:
Early-infantile DEE. Also called: Early infantile epileptic encephalopathy; Early infantile epileptic encephalopathy with suppression bursts; Ohtahara syndrome. Identifiers: Orphanet 1934, MedGen C0393706, MONDO:0800491.
Developmental and epileptic encephalopathy, 5 (DEE5). Identifiers: Orphanet 3451, MedGen C3150731, MONDO:0013277, OMIM 613477.

Allele frequency attached by ClinVar (database versions not stated): gnomAD 0.00001; gnomAD exomes 0.00001; TOPMed 0.00003; 1000 Genomes Project 0.00020; 1000 Genomes Project 30x 0.00031.
gnomAD v4.1: 18 of 1,613,048 alleles (0.0011%); highest among the groups gnomAD compares: Admixed American, 0.0017%; no homozygotes.

Submissions (4):

Labcorp Genetics (formerly Invitae), Labcorp
Classification: Uncertain significance for Early-infantile DEE. Last evaluated: 2025-04-13. Review status: criteria provided, single submitter. Criteria: Invitae Variant Classification Sherloc (09022015). Collection method: clinical testing. Allele origin: germline.
Comment: This sequence change replaces arginine, which is basic and polar, with histidine, which is basic and polar, at codon 2255 of the SPTAN1 protein (p.Arg2255His). This variant is not present in population databases (gnomAD no frequency). This missense change has been observed in individual(s) with SPTAN1-related conditions (PMID: 38840272). ClinVar contains an entry for this variant (Variation ID: 1685144). An algorithm developed to predict the effect of missense changes on protein structure and function (PolyPhen-2) suggests that this variant is likely to be tolerated. In summary, the available evidence is currently insufficient to determine the role of this variant in disease. Therefore, it has been classified as a Variant of Uncertain Significance.

Women's Health and Genetics/Laboratory Corporation of America, LabCorp
Classification: Uncertain significance. Last evaluated: 2025-01-24. Review status: criteria provided, single submitter. Criteria: LabCorp Variant Classification Summary - May 2015. Collection method: clinical testing. Allele origin: germline.
Comment: Variant summary: SPTAN1 c.6764G>A (p.Arg2255His) results in a non-conservative amino acid change in the encoded protein sequence. Three of five in-silico tools predict a benign effect of the variant on protein function. Consensus agreement among computation tools predict no significant impact on normal splicing. However, these predictions have yet to be confirmed by functional studies. The variant was absent in 249248 control chromosomes. The available data on variant occurrences in the general population are insufficient to allow any conclusion about variant significance. These report(s) do not provide unequivocal conclusions about association of the variant with Epileptic Encephalopathy, Early Infantile, 5. To our knowledge, no experimental evidence demonstrating an impact on protein function has been reported. The following publication has been ascertained in the context of this evaluation (PMID: 38840272). ClinVar contains an entry for this variant (Variation ID: 1685144). Based on the evidence outlined above, the variant was classified as uncertain significance.

Molecular Medicine, University of Pavia
Classification: Likely pathogenic for Developmental and epileptic encephalopathy, 5. Last evaluated: 2023-07-28. Review status: criteria provided, single submitter. Criteria: ACMG Guidelines, 2015. Collection method: research. Allele origin: maternal. Affected: yes. Observed: 1 variant allele.

Mendelics
Classification: Uncertain significance. Last evaluated: 2022-05-04. Review status: criteria provided, single submitter. Criteria: Mendelics Assertion Criteria 2019. Collection method: clinical testing. Allele origin: germline.

Literature cited by the submitters: PubMed 38840272 (cited by Labcorp Genetics (formerly Invitae), Labcorp and Women's Health and Genetics/Laboratory Corporation of America, LabCorp).

NM_001130438.3(SPTAN1):c.6764G>A (p.Arg2255His)

Gene: SPTAN1 (spectrin alpha, non-erythrocytic 1; plus strand). Cytogenetic location: 9q34.11.
Variant type: single nucleotide variant.
Coding change: c.6764G>A on transcript NM_001130438.3 (MANE Select); coding-DNA position 6764, G replaced by A.
Protein change: p.Arg2255His; replaces arginine 2255 with histidine.
Molecular consequence: missense variant.
Genome position (GRCh38, 1-based): chr9:128,632,128, G>A. VCF-style: chr9-128632128-G-A. GRCh37 (hg19) VCF-style: chr9-131394407-G-A.
Other names: c.6689G>A, p.Arg2230His (NM_001195532.2); c.6827G>A, p.Arg2276His (NM_001363759.2); c.6704G>A, p.Arg2235His (NM_001363765.2, NM_001375314.2); c.6851G>A, p.Arg2284His (NM_001375310.1); c.6764G>A, p.Arg2255His (NM_001375311.2); c.6800G>A, p.Arg2267His (NM_001375312.2); c.6746G>A, p.Arg2249His (NM_001375313.1); c.6863G>A, p.Arg2288His (NM_001375318.1); and 2 more; short protein forms R2230H, R2235H, R2249H, R2250H, R2255H, R2267H, R2276H, R2284H.
Identifiers: ClinVar variation 1685144 (VCV001685144.21), dbSNP rs201693154, ClinGen allele CA200412327.